The following is an entry in ClinVar:

NM_206933.4(USH2A):c.8499T>C (p.Ser2833=)

Gene: USH2A (usherin; minus strand). Cytogenetic location: 1q41.
Variant type: single nucleotide variant.
Coding change: c.8499T>C on transcript NM_206933.4 (MANE Select); coding-DNA position 8499, T replaced by C.
Protein change: p.Ser2833=; no amino-acid change (serine 2833 retained).
Molecular consequence: synonymous variant.
Genome position (GRCh38, 1-based): chr1:215,878,823, A>G on the plus strand (T>C on the coding strand, the complement: USH2A is on the minus strand). VCF-style: chr1-215878823-A-G. GRCh37 (hg19) VCF-style: chr1-216052165-A-G.
Identifiers: ClinVar variation 228224 (VCV000228224.15), dbSNP rs753719500, ClinGen allele CA1394598.

ClinVar aggregate classification (germline): Likely benign. Review status: criteria provided, multiple submitters, no conflicts (2 of 4 stars). 5 submissions from 4 submitters: Likely benign (4). 1 of the submissions does not count toward it. Last evaluated 2023-12-16.

Conditions:
Retinitis pigmentosa 39 (RP39). Identifiers: Orphanet 791, MedGen C3151138, MONDO:0013436, OMIM 613809.
Usher syndrome type 2A. Also called: RETINAL DISEASE IN USHER SYNDROME TYPE IIA, MODIFIER OF; USHER SYNDROME, TYPE IIA. Identifiers: Orphanet 231178, Orphanet 886, MedGen C1848634, MONDO:0010169, OMIM 276901.

Allele frequency attached by ClinVar (database versions not stated): gnomAD below 0.00001 and 0.00001; TOPMed below 0.00001; gnomAD exomes 0.00004 and 0.00009; ExAC 0.00010.
gnomAD v4.1: 55 of 1,613,916 alleles (0.0034%); highest among the groups gnomAD compares: South Asian, 0.06%; no homozygotes.

Submissions (5):

Labcorp Genetics (formerly Invitae), Labcorp
Classification: Likely benign. Last evaluated: 2023-12-16. Review status: criteria provided, single submitter. Criteria: Invitae Variant Classification Sherloc (09022015). Collection method: clinical testing. Allele origin: germline.

Genome-Nilou Lab
Classification: Likely benign for Retinitis pigmentosa 39. Last evaluated: 2023-11-04. Review status: criteria provided, single submitter. Criteria: ACMG Guidelines, 2015. Collection method: clinical testing. Allele origin: germline. Affected: no.

Genome-Nilou Lab
Classification: Likely benign for Usher syndrome type 2A. Last evaluated: 2023-11-04. Review status: criteria provided, single submitter. Criteria: ACMG Guidelines, 2015. Collection method: clinical testing. Allele origin: germline. Affected: no.

Laboratory for Molecular Medicine, Mass General Brigham Personalized Medicine
Classification: Likely benign. Last evaluated: 2016-04-07. Review status: criteria provided, single submitter. Criteria: LMM Criteria. Collection method: clinical testing. Allele origin: germline. Observed: 1 variant allele.
Comment: p.Ser2833Ser in exon 42 of USH2A: This variant is not expected to have clinical significance because it does not alter an amino acid residue and is not located within the splice consensus sequence. It has been identified in 0.1% (11/16502) of South Asian chromosomes by the Exome Aggregation Consortium (ExAC; dbSNP rs753719500).

Counsyl
Classification: Likely benign for Usher syndrome type 2A; Retinitis pigmentosa 39. Last evaluated: 2017-06-13. Review status: no assertion criteria provided. Collection method: clinical testing. Allele origin: unknown. Not counted in ClinVar's aggregate classification.